The following is an entry in ClinVar:

ClinVar aggregate classification (germline): Benign. Review status: criteria provided, multiple submitters, no conflicts (2 of 4 stars). 2 submissions from 2 submitters: Benign (2). Last evaluated 2018-06-14.

Allele frequency attached by ClinVar (database versions not stated): gnomAD exomes 0.05290; gnomAD 0.06860 and 0.06876; TOPMed 0.07256; 1000 Genomes Project 0.07528.
gnomAD v4.1: 36,423 of 639,572 alleles (5.7%); highest among the groups gnomAD compares: African/African-American, 11%; 1,246 homozygotes.

Submissions (2):

GeneDx
Classification: Benign. Last evaluated: 2018-06-14. Review status: criteria provided, single submitter. Criteria: GeneDx Variant Classification (06012015). Collection method: clinical testing. Allele origin: germline. Affected: yes.
Comment: This variant is considered likely benign or benign based on one or more of the following criteria: it is a conservative change, it occurs at a poorly conserved position in the protein, it is predicted to be benign by multiple in silico algorithms, and/or has population frequency not consistent with disease.

Breakthrough Genomics
Classification: Benign. Review status: criteria provided, single submitter. Criteria: ACMG Guidelines, 2015. Collection method: not provided. Allele origin: germline. Inheritance: Autosomal recessive inheritance. Affected: yes.

NM_001854.4(COL11A1):c.1629+150T>C

Gene: COL11A1 (collagen type XI alpha 1 chain; minus strand). Cytogenetic location: 1p21.1.
Variant type: single nucleotide variant.
Coding change: c.1629+150T>C on transcript NM_001854.4 (MANE Select); 150 bases into the intron after coding-DNA position 1629, T replaced by C.
Molecular consequence: intron variant.
Genome position (GRCh38, 1-based): chr1:103,012,263, A>G on the plus strand (T>C on the coding strand, the complement: COL11A1 is on the minus strand). VCF-style: chr1-103012263-A-G. GRCh37 (hg19) VCF-style: chr1-103477819-A-G.
Other names: c.1512+150T>C (NM_001190709.2); c.1665+150T>C (NM_080629.3); c.1281+150T>C (NM_080630.4).
Identifiers: ClinVar variation 677927 (VCV000677927.2), dbSNP rs2786122, ClinGen allele CA27737852.